The following is an entry in ClinVar:

ClinVar aggregate classification (germline): Uncertain significance (1 of 4 stars; one submission).

Conditions:
Cardiovascular phenotype. Identifiers: MedGen CN230736.

Submission:

Ambry Genetics
Classification: Uncertain significance for Cardiovascular phenotype. Last evaluated: 2024-04-01. Review status: criteria provided, single submitter. Criteria: Ambry Variant Classification Scheme 2023. Collection method: clinical testing. Allele origin: germline.
Comment: The p.P106H variant (also known as c.317C>A), located in coding exon 3 of the MYBPC3 gene, results from a C to A substitution at nucleotide position 317. The proline at codon 106 is replaced by histidine, an amino acid with similar properties. This amino acid position is well conserved in available vertebrate species. In addition, this alteration is predicted to be tolerated by in silico analysis. Since supporting evidence is limited at this time, the clinical significance of this alteration remains unclear.

NM_000256.3(MYBPC3):c.317C>A (p.Pro106His)

Gene: MYBPC3 (myosin binding protein C3; minus strand). Cytogenetic location: 11p11.2.
Variant type: single nucleotide variant.
Coding change: c.317C>A on transcript NM_000256.3 (MANE Select); coding-DNA position 317, C replaced by A.
Protein change: p.Pro106His; replaces proline 106 with histidine.
Molecular consequence: missense variant.
Genome position (GRCh38, 1-based): chr11:47,350,591, G>T on the plus strand (C>A on the coding strand, the complement: MYBPC3 is on the minus strand). VCF-style: chr11-47350591-G-T. GRCh37 (hg19) VCF-style: chr11-47372142-G-T.
Other names: short protein forms P106H.
Identifiers: ClinVar variation 1728512 (VCV001728512.3), dbSNP rs986848670, ClinGen allele CA380341008.